The following is an entry in ClinVar:

NM_006329.4(FBLN5):c.21A>G (p.Ile7Met)

Gene: FBLN5 (fibulin 5; minus strand). Cytogenetic location: 14q32.12.
Variant type: single nucleotide variant.
Coding change: c.21A>G on transcript NM_006329.4 (MANE Select); coding-DNA position 21, A replaced by G.
Protein change: p.Ile7Met; replaces isoleucine 7 with methionine.
Molecular consequence: missense variant. On other transcripts: 5 prime UTR variant (2).
Genome position (GRCh38, 1-based): chr14:91,942,958, T>C on the plus strand (A>G on the coding strand, the complement: FBLN5 is on the minus strand). VCF-style: chr14-91942958-T-C. GRCh37 (hg19) VCF-style: chr14-92409302-T-C.
Other names: c.21A>G, p.Ile7Met (NM_001384158.1, NM_001384160.1); c.72A>G, p.Ile24Met (NM_001384159.1); c.-249A>G (NM_001384161.1, NM_001384162.1); short protein forms I24M, I7M.
Identifiers: ClinVar variation 3619102 (VCV003619102.2).

ClinVar aggregate classification (germline): Uncertain significance (1 of 4 stars; one submission).

Submission:

Labcorp Genetics (formerly Invitae), Labcorp
Classification: Uncertain significance. Last evaluated: 2024-06-24. Review status: criteria provided, single submitter. Criteria: Invitae Variant Classification Sherloc (09022015). Collection method: clinical testing. Allele origin: germline.
Comment: This sequence change replaces isoleucine, which is neutral and non-polar, with methionine, which is neutral and non-polar, at codon 7 of the FBLN5 protein (p.Ile7Met). This variant is not present in population databases (gnomAD no frequency). This variant has not been reported in the literature in individuals affected with FBLN5-related conditions. An algorithm developed to predict the effect of missense changes on protein structure and function (PolyPhen-2) suggests that this variant is likely to be tolerated. In summary, the available evidence is currently insufficient to determine the role of this variant in disease. Therefore, it has been classified as a Variant of Uncertain Significance.